The following is an entry in ClinVar:

NM_001365999.1(SZT2):c.6725G>A (p.Arg2242Gln)

Gene: SZT2 (SZT2 subunit of KICSTOR complex; plus strand). Cytogenetic location: 1p34.2.
Variant type: single nucleotide variant.
Coding change: c.6725G>A on transcript NM_001365999.1 (MANE Select); coding-DNA position 6725, G replaced by A.
Protein change: p.Arg2242Gln; replaces arginine 2242 with glutamine.
Molecular consequence: missense variant.
Genome position (GRCh38, 1-based): chr1:43,439,026, G>A. VCF-style: chr1-43439026-G-A. GRCh37 (hg19) VCF-style: chr1-43904697-G-A.
Other names: c.6554G>A, p.Arg2185Gln (NM_015284.4); short protein forms R2242Q, R2185Q.
Identifiers: ClinVar variation 966151 (VCV000966151.9), dbSNP rs751021759, ClinGen allele CA809987.

ClinVar aggregate classification (germline): Uncertain significance. Review status: criteria provided, multiple submitters, no conflicts (2 of 4 stars). 3 submissions from 3 submitters: Uncertain significance (3). Last evaluated 2025-07-22.

Conditions:
Inborn genetic diseases. Identifiers: MedGen C0950123, MeSH D030342.

Allele frequency attached by ClinVar (database versions not stated): gnomAD 0.00001; gnomAD exomes 0.00001 and below 0.00001; TOPMed 0.00001; ExAC 0.00001.
gnomAD v4.1: 10 of 1,614,010 alleles (0.00062%); highest among the groups gnomAD compares: African/African-American, 0.0013%; no homozygotes.

Submissions (3):

Women's Health and Genetics/Laboratory Corporation of America, LabCorp
Classification: Uncertain significance. Last evaluated: 2025-07-22. Review status: criteria provided, single submitter. Criteria: LabCorp Variant Classification Summary - May 2015. Collection method: clinical testing. Allele origin: germline.
Comment: Variant summary: SZT2 c.6554G>A (p.Arg2185Gln) results in a conservative amino acid change in the encoded protein sequence. Algorithms developed to predict the effect of missense changes on protein structure and function are either unavailable or do not agree on the potential impact of this missense change. The variant allele was found at a frequency of 4e-06 in 251332 control chromosomes. The available data on variant occurrences in the general population are insufficient to allow any conclusion about variant significance. To our knowledge, no occurrence of c.6554G>A in individuals affected with Early Infantile Epileptic Encephalopathy 18 and no experimental evidence demonstrating its impact on protein function have been reported. ClinVar contains an entry for this variant (Variation ID: 966151). Based on the evidence outlined above, the variant was classified as uncertain significance.

Ambry Genetics
Classification: Uncertain significance for Inborn genetic diseases. Last evaluated: 2023-10-13. Review status: criteria provided, single submitter. Criteria: Ambry Variant Classification Scheme 2023. Collection method: clinical testing. Allele origin: germline.

Labcorp Genetics (formerly Invitae), Labcorp
Classification: Uncertain significance. Last evaluated: 2019-10-14. Review status: criteria provided, single submitter. Criteria: Invitae Variant Classification Sherloc (09022015). Collection method: clinical testing. Allele origin: germline.
Comment: This sequence change replaces arginine with glutamine at codon 2185 of the SZT2 protein (p.Arg2185Gln). The arginine residue is highly conserved and there is a small physicochemical difference between arginine and glutamine. This variant is present in population databases (rs751021759, ExAC 0.01%). This variant has not been reported in the literature in individuals with SZT2-related conditions. Algorithms developed to predict the effect of missense changes on protein structure and function are either unavailable or do not agree on the potential impact of this missense change (SIFT: "Tolerated"; PolyPhen-2: "Probably Damaging"; Align-GVGD: "Class C0"). Algorithms developed to predict the effect of sequence changes on RNA splicing suggest that this variant may create or strengthen a splice site, but this prediction has not been confirmed by published transcriptional studies. In summary, the available evidence is currently insufficient to determine the role of this variant in disease. Therefore, it has been classified as a Variant of Uncertain Significance.